The following is an entry in ClinVar:

NM_199355.4(ADAMTS18):c.205G>A (p.Val69Ile)

Gene: ADAMTS18 (ADAM metallopeptidase with thrombospondin type 1 motif 18; minus strand). Cytogenetic location: 16q23.1.
Variant type: single nucleotide variant.
Coding change: c.205G>A on transcript NM_199355.4 (MANE Select); coding-DNA position 205, G replaced by A.
Protein change: p.Val69Ile; replaces valine 69 with isoleucine.
Molecular consequence: missense variant. On other transcripts: 5 prime UTR variant (1).
Genome position (GRCh38, 1-based): chr16:77,431,585, C>T on the plus strand (G>A on the coding strand, the complement: ADAMTS18 is on the minus strand). VCF-style: chr16-77431585-C-T. GRCh37 (hg19) VCF-style: chr16-77465482-C-T.
Other names: c.-316G>A (NM_001326358.2); short protein forms V69I.
Identifiers: ClinVar variation 2113909 (VCV002113909.4), dbSNP rs2057741623, ClinGen allele CA396851590.
Genomic context (GRCh38, chr16:77,431,585, plus strand): 5'-ATCGCTTTTTCCTGCCGTTGTGCAAAATGTCGTGTGAAATATATGACCCGGCTGAGTCTA[C>T]TTCTACTGGCGTGACAAAGACGTAATCTGCAATGGGAAAAGTTCAGCTGTCAGCACCCAG-3'
Protein context (NP_955387.1, residues 59-79): DDYVFVTPVE[Val69Ile]DSAGSYISHD

ClinVar aggregate classification (germline): Uncertain significance (1 of 4 stars; one submission).

Allele frequency attached by ClinVar (database versions not stated): TOPMed below 0.00001.
gnomAD v4.1: 1 of 1,614,140 alleles (0.000062%); highest among the groups gnomAD compares: Non-Finnish European, 0.000085%; no homozygotes.

Submission:

Labcorp Genetics (formerly Invitae), Labcorp
Classification: Uncertain significance. Last evaluated: 2022-11-01. Review status: criteria provided, single submitter. Criteria: Invitae Variant Classification Sherloc (09022015). Collection method: clinical testing. Allele origin: germline.
Comment: This sequence change replaces valine, which is neutral and non-polar, with isoleucine, which is neutral and non-polar, at codon 69 of the ADAMTS18 protein (p.Val69Ile). This variant is not present in population databases (gnomAD no frequency). In summary, the available evidence is currently insufficient to determine the role of this variant in disease. Therefore, it has been classified as a Variant of Uncertain Significance. Algorithms developed to predict the effect of missense changes on protein structure and function are either unavailable or do not agree on the potential impact of this missense change (SIFT: "Not Available"; PolyPhen-2: "Probably Damaging"; Align-GVGD: "Not Available"). This variant has not been reported in the literature in individuals affected with ADAMTS18-related conditions.